The following is an entry in ClinVar:

ClinVar aggregate classification (germline): Likely benign. Review status: criteria provided, multiple submitters, no conflicts (2 of 4 stars). 5 submissions from 5 submitters: Likely benign (3). 2 of the submissions do not count toward it. Last evaluated 2025-12-23.

Conditions:
LOXHD1-related disorder. Also called: LOXHD1-related condition.
Autosomal recessive nonsyndromic hearing loss 77. Identifiers: Orphanet 90636, MedGen C2746083, MONDO:0013119, OMIM 613079.

Allele frequency attached by ClinVar (database versions not stated): ExAC 0.00014; gnomAD exomes 0.00017; gnomAD 0.00018 and 0.00019; TOPMed 0.00031; 1000 Genomes Project 0.00060; 1000 Genomes Project 30x 0.00078.
gnomAD v4.1: 200 of 1,551,736 alleles (0.013%); highest among the groups gnomAD compares: Admixed American, 0.061%; no homozygotes.

Submissions (5):

Labcorp Genetics (formerly Invitae), Labcorp
Classification: Likely benign. Last evaluated: 2025-12-23. Review status: criteria provided, single submitter. Criteria: Invitae Variant Classification Sherloc (09022015). Collection method: clinical testing. Allele origin: germline.

Women's Health and Genetics/Laboratory Corporation of America, LabCorp
Classification: Likely benign. Last evaluated: 2025-06-19. Review status: criteria provided, single submitter. Criteria: LabCorp Variant Classification Summary - May 2015. Collection method: clinical testing. Allele origin: germline.

Blueprint Genetics
Classification: Likely benign. Last evaluated: 2024-10-07. Review status: criteria provided, single submitter. Criteria: ACMG Guidelines, 2015. Collection method: clinical testing. Allele origin: germline.

Natera, Inc.
Classification: Likely benign for Autosomal recessive deafness type 77. Last evaluated: 2020-05-04. Review status: no assertion criteria provided. Collection method: clinical testing. Allele origin: germline. Not counted in ClinVar's aggregate classification.

PreventionGenetics, part of Exact Sciences
Classification: Likely benign for LOXHD1-related condition. Last evaluated: 2019-04-29. Review status: no assertion criteria provided. Collection method: clinical testing. Allele origin: germline. Not counted in ClinVar's aggregate classification.
Comment: This variant is classified as likely benign based on ACMG/AMP sequence variant interpretation guidelines (Richards et al. 2015 PMID: 25741868, with internal and published modifications).

NM_001384474.1(LOXHD1):c.6220T>C (p.Leu2074=)

Gene: LOXHD1 (lipoxygenase homology PLAT domains 1; minus strand). Cytogenetic location: 18q21.1.
Variant type: single nucleotide variant.
Coding change: c.6220T>C on transcript NM_001384474.1 (MANE Select); coding-DNA position 6220, T replaced by C.
Protein change: p.Leu2074=; no amino-acid change (leucine 2074 retained).
Molecular consequence: synonymous variant.
Genome position (GRCh38, 1-based): chr18:46,483,708, A>G on the plus strand (T>C on the coding strand, the complement: LOXHD1 is on the minus strand). VCF-style: chr18-46483708-A-G. GRCh37 (hg19) VCF-style: chr18-44063671-A-G.
Other names: c.2887T>C, p.Leu963= (NM_001145472.3); c.937T>C, p.Leu313= (NM_001145473.3, NM_001173129.2); c.2599T>C, p.Leu867= (NM_001308013.2); c.6034T>C, p.Leu2012= (NM_144612.7).
Identifiers: ClinVar variation 730806 (VCV000730806.16), dbSNP rs185604776, ClinGen allele CA8952065.